The following is an entry in ClinVar:

NM_000059.4(BRCA2):c.7805+758C>G

Gene: BRCA2 (BRCA2 DNA repair associated; plus strand). Cytogenetic location: 13q13.1.
Variant type: single nucleotide variant.
Coding change: c.7805+758C>G on transcript NM_000059.4 (MANE Select); 758 bases into the intron after coding-DNA position 7805, C replaced by G.
Molecular consequence: intron variant.
Genome position (GRCh38, 1-based): chr13:32,358,687, C>G. VCF-style: chr13-32358687-C-G. GRCh37 (hg19) VCF-style: chr13-32932824-C-G.
Identifiers: ClinVar variation 264960 (VCV000264960.1), dbSNP rs537051914, ClinGen allele CA10588125.
Genomic context (GRCh38, chr13:32,358,687, plus strand): 5'-ACAAACAAATTAAAAAATTAGCCCAGCCAGGCGCGGTGGCTCACGCCTGTAGTCCCAACA[C>G]TTCGGAAGGCCAAGATGGGCCAATTACCTGAGGGTCAGGAGTTCGAGACCAGCCTGGCCA-3'

ClinVar aggregate classification (germline): Benign (3 of 4 stars; one submission).

Conditions:
Breast-ovarian cancer, familial, susceptibility to, 2 (BROVCA2). Also called: BRCA2 Hereditary Breast and Ovarian Cancer. Identifiers: Orphanet 145, MedGen C2675520, MONDO:0012933, OMIM 612555. Disease mechanism: loss of function.

Allele frequency attached by ClinVar (database versions not stated): gnomAD 0.00540 and 0.00579; TOPMed 0.00614; 1000 Genomes Project 30x 0.00718; 1000 Genomes Project 0.00739.
gnomAD v4.1: 805 of 151,512 alleles (0.53%); highest among the groups gnomAD compares: African/African-American, 1.9%; 5 homozygotes.

Submission:

Evidence-based Network for the Interpretation of Germline Mutant Alleles (ENIGMA)
Classification: Benign for Breast-ovarian cancer, familial, susceptibility to, 2. Last evaluated: 2016-09-28. Review status: reviewed by expert panel. Criteria: ENIGMA BRCA1/2 Classification Criteria (2015). Collection method: curation. Allele origin: germline.
Comment: Class 1 not pathogenic based on frequency >1% in an outbred sampleset. Frequency 0.0272 (African), derived from 1000 genomes (2013-05-02).